The following is an entry in ClinVar:

ClinVar aggregate classification (germline): Uncertain significance. Review status: criteria provided, multiple submitters, no conflicts (2 of 4 stars). 4 submissions from 4 submitters: Uncertain significance (4). Last evaluated 2025-08-07.

Conditions:
TRPV4-related disorder. Also called: TRPV4-related disorders; TRPV4-related condition.
Inborn genetic diseases. Identifiers: MedGen C0950123, MeSH D030342.
Charcot-Marie-Tooth disease. Also called: Charcot-Marie-Tooth Neuropathy; Charcot-Marie-Tooth Hereditary Neuropathy. Identifiers: Orphanet 166, MedGen C0007959, MONDO:0015626.
Charcot-Marie-Tooth disease axonal type 2C (HMSN2C). Also called: CHARCOT-MARIE-TOOTH DISEASE, AXONAL, AUTOSOMAL DOMINANT, TYPE 2C; Charcot-Marie-Tooth Neuropathy Type 2C; Charcot-Marie-Tooth Disease Type 2, TRPV4-Related (CMT2C). Identifiers: Orphanet 99937, MedGen C1853710, MONDO:0011633, OMIM 606071.

Allele frequency attached by ClinVar (database versions not stated): gnomAD exomes below 0.00001; TOPMed below 0.00001; ExAC 0.00002.
gnomAD v4.1: 11 of 1,613,842 alleles (0.00068%); highest among the groups gnomAD compares: South Asian, 0.0033%; no homozygotes.

Submissions (4):

PreventionGenetics, part of Exact Sciences
Classification: Uncertain significance for TRPV4-related condition. Last evaluated: 2025-08-07. Review status: criteria provided, single submitter. Criteria: ACMG Guidelines, 2015. Collection method: clinical testing. Allele origin: germline.
Comment: The TRPV4 c.167G>A variant is predicted to result in the amino acid substitution p.Arg56His. To our knowledge, this variant has not been reported in the literature. This variant is reported in 0.0033% of alleles in individuals of South Asian descent in gnomAD. At this time, the clinical significance of this variant is uncertain due to the absence of conclusive functional and genetic evidence.

Ambry Genetics
Classification: Uncertain significance for Inborn genetic diseases. Last evaluated: 2025-03-26. Review status: criteria provided, single submitter. Criteria: Ambry Variant Classification Scheme 2023. Collection method: clinical testing. Allele origin: germline.

Labcorp Genetics (formerly Invitae), Labcorp
Classification: Uncertain significance for Charcot-Marie-Tooth disease axonal type 2C. Last evaluated: 2023-10-13. Review status: criteria provided, single submitter. Criteria: Invitae Variant Classification Sherloc (09022015). Collection method: clinical testing. Allele origin: germline.
Comment: This sequence change replaces arginine, which is basic and polar, with histidine, which is basic and polar, at codon 56 of the TRPV4 protein (p.Arg56His). This variant is present in population databases (rs767169716, gnomAD 0.007%). This variant has not been reported in the literature in individuals affected with TRPV4-related conditions. ClinVar contains an entry for this variant (Variation ID: 536855). Advanced modeling of protein sequence and biophysical properties (such as structural, functional, and spatial information, amino acid conservation, physicochemical variation, residue mobility, and thermodynamic stability) performed at Invitae indicates that this missense variant is not expected to disrupt TRPV4 protein function. In summary, the available evidence is currently insufficient to determine the role of this variant in disease. Therefore, it has been classified as a Variant of Uncertain Significance.

Molecular Genetics Laboratory, London Health Sciences Centre
Classification: Uncertain significance for Charcot-Marie-Tooth disease. Review status: criteria provided, single submitter. Criteria: ACMG Guidelines, 2015. Collection method: clinical testing. Allele origin: germline. Affected: yes.

NM_021625.5(TRPV4):c.167G>A (p.Arg56His)

Gene: TRPV4 (transient receptor potential cation channel subfamily V member 4; minus strand). Cytogenetic location: 12q24.11.
Variant type: single nucleotide variant.
Coding change: c.167G>A on transcript NM_021625.5 (MANE Select); coding-DNA position 167, G replaced by A.
Protein change: p.Arg56His; replaces arginine 56 with histidine.
Molecular consequence: missense variant. On other transcripts: intron variant (1).
Genome position (GRCh38, 1-based): chr12:109,814,630, C>T on the plus strand (G>A on the coding strand, the complement: TRPV4 is on the minus strand). VCF-style: chr12-109814630-C-T. GRCh37 (hg19) VCF-style: chr12-110252435-C-T.
Other names: c.167G>A, p.Arg56His (NM_001177428.2, NM_001177433.2, NM_147204.3); c.80-15G>A (NM_001177431.1); short protein forms R56H.
Identifiers: ClinVar variation 536855 (VCV000536855.9), dbSNP rs767169716, ClinGen allele CA6780604.